The following is an entry in ClinVar:

NM_000053.4(ATP7B):c.2245del (p.Val749fs)

Gene: ATP7B (ATPase copper transporting beta; minus strand). Cytogenetic location: 13q14.3.
Variant type: Deletion.
Coding change: c.2245del on transcript NM_000053.4 (MANE Select); coding-DNA position 2245, one base deleted (G; older notation c.2245delG).
Protein change: p.Val749fs; shifts the reading frame from valine 749.
Molecular consequence: frameshift variant. On other transcripts: intron variant (20).
Genome position (GRCh38, 1-based): chr13:51,958,421, C deleted on the plus strand (G on the coding strand, the reverse complement: ATP7B is on the minus strand); the first of 2 consecutive C bases (chr13:51,958,421-51,958,422); deleting either gives the same sequence. VCF-style (leftmost placement, unchanged base first): chr13-51958420-AC-A. GRCh37 (hg19) VCF-style: chr13-52532556-AC-A.
Other names: c.1993del, p.Val665fs (NM_001406540.1, NM_001406531.1, NM_001406532.1 and 1 more transcripts); c.1897del, p.Val633fs (NM_001406543.1); c.1870-814del (NM_001406541.1, NM_001005918.3, NM_001406546.1 and 1 more transcripts); c.2122-814del (NM_001406527.1, NM_001406528.1, NM_001406534.1 and 2 more transcripts); c.2122-21del (NM_001406537.1, NM_001406521.1, NM_001406522.1 and 1 more transcripts); c.1286-8260del (NM_001406548.1); c.2089-21del (NM_001406524.1); c.1708-814del (NM_001406547.1, NM_001406545.1); and 8 more; short protein forms V606fs, V633fs, V638fs, V665fs, V717fs, V738fs, V749fs.
Identifiers: ClinVar variation 4815134 (VCV004815134.1).

ClinVar aggregate classification (germline): Likely pathogenic (1 of 4 stars; one submission).

Conditions:
Wilson disease (WND). Also called: Wilson's disease. Identifiers: Orphanet 905, MedGen C0019202, MONDO:0010200, OMIM 277900. Disease mechanism: loss of function.

Submission:

Natera, Inc.
Classification: Likely pathogenic for Wilson disease. Last evaluated: 2025-10-13. Review status: criteria provided, single submitter. Criteria: Natera Variant Classification Schema (03/2026). Collection method: clinical testing. Allele origin: germline.
Comment: The c.2245del variant in ATP7B is a frameshift variant predicted to shift the reading frame beginning at codon 749 and leads to a stop codon 13 codons downstream. This variant is expected to result in nonsense mediated decay, truncation, or a dysfunctional protein product. This variant is rare in the general population with a frequency below the threshold expected for the associated phenotype(s). Given the available evidence, this variant is classified as Likely Pathogenic.